The following is an entry in ClinVar:

NM_022047.4(DEF6):c.604C>G (p.Leu202Val)

Gene: DEF6 (DEF6 guanine nucleotide exchange factor; plus strand). Cytogenetic location: 6p21.31.
Variant type: single nucleotide variant.
Coding change: c.604C>G on transcript NM_022047.4 (MANE Select); coding-DNA position 604, C replaced by G.
Protein change: p.Leu202Val; replaces leucine 202 with valine.
Molecular consequence: missense variant.
Genome position (GRCh38, 1-based): chr6:35,312,482, C>G. VCF-style: chr6-35312482-C-G. GRCh37 (hg19) VCF-style: chr6-35280259-C-G.
Other names: c.604C>G (NM_022047.3); short protein forms L202V.
Identifiers: ClinVar variation 1625582 (VCV001625582.11), dbSNP rs377311393, ClinGen allele CA3770757.
Genomic context (GRCh38, chr6:35,312,482, plus strand): 5'-TGGCAGTTCCTGGAGCTCTTCAATTCGGGCCGCTGCCTGCGGGGCGTGGGCCGGGACACC[C>G]TCAGCATGGCCATCCACGAGGTCTACCAGGAGCTCATCCAAGATGTCCTGAAGCAGGTCA-3'
Protein context (NP_071330.3, residues 192-212): RCLRGVGRDT[Leu202Val]SMAIHEVYQE

ClinVar aggregate classification (germline): Conflicting classifications of pathogenicity. Review status: criteria provided, conflicting classifications (1 of 4 stars). 3 submissions from 3 submitters: Uncertain significance (2); Likely benign (1). Last evaluated 2025-12-10.

Conditions:
DEF6-related disorder. Also called: DEF6-related condition.

Allele frequency attached by ClinVar (database versions not stated): gnomAD exomes 0.00008 and 0.00016; TOPMed 0.00010; gnomAD 0.00011; ESP Exome Variant Server 0.00015; ExAC 0.00016.
gnomAD v4.1: 146 of 1,614,052 alleles (0.009%); highest among the groups gnomAD compares: Non-Finnish European, 0.0027%; no homozygotes.

Submissions (3):

Labcorp Genetics (formerly Invitae), Labcorp
Classification: Likely benign. Last evaluated: 2025-12-10. Review status: criteria provided, single submitter. Criteria: Invitae Variant Classification Sherloc (09022015). Collection method: clinical testing. Allele origin: germline.

Ambry Genetics
Classification: Uncertain significance. Last evaluated: 2023-02-23. Review status: criteria provided, single submitter. Criteria: Ambry Variant Classification Scheme 2023. Collection method: clinical testing. Allele origin: germline.

PreventionGenetics, part of Exact Sciences
Classification: Uncertain significance for DEF6-related condition. Last evaluated: 2022-09-20. Review status: criteria provided, single submitter. Criteria: ACMG Guidelines, 2015. Collection method: clinical testing. Allele origin: germline.
Comment: The DEF6 c.604C>G variant is predicted to result in the amino acid substitution p.Leu202Val. To our knowledge, this variant has not been reported in the literature. This variant is reported in 0.31% of alleles in individuals of Ashkenazi Jewish descent in gnomAD. At this time, the clinical significance of this variant is uncertain due to the absence of conclusive functional and genetic evidence.